The following is an entry in ClinVar:

NM_001034850.3(RETREG1):c.873+60C>T

Gene: RETREG1 (reticulophagy regulator 1; minus strand). Cytogenetic location: 5p15.1.
Variant type: single nucleotide variant.
Coding change: c.873+60C>T on transcript NM_001034850.3 (MANE Select); 60 bases into the intron after coding-DNA position 873, C replaced by T.
Molecular consequence: intron variant.
Genome position (GRCh38, 1-based): chr5:16,477,974, G>A on the plus strand (C>T on the coding strand, the complement: RETREG1 is on the minus strand). VCF-style: chr5-16477974-G-A. GRCh37 (hg19) VCF-style: chr5-16478083-G-A.
Other names: c.450+60C>T (NM_019000.5).
Identifiers: ClinVar variation 677589 (VCV000677589.2), dbSNP rs80022438, ClinGen allele CA114757050.

ClinVar aggregate classification (germline): Benign. Review status: criteria provided, multiple submitters, no conflicts (2 of 4 stars). 2 submissions from 2 submitters: Benign (2). Last evaluated 2018-06-16.

Allele frequency attached by ClinVar (database versions not stated): gnomAD 0.03128 and 0.03319; ESP Exome Variant Server 0.03287; TOPMed 0.03594; 1000 Genomes Project 0.03694; 1000 Genomes Project 30x 0.03888.
gnomAD v4.1: 8,874 of 1,368,524 alleles (0.65%); highest among the groups gnomAD compares: African/African-American, 11%; 433 homozygotes.

Submissions (2):

GeneDx
Classification: Benign. Last evaluated: 2018-06-16. Review status: criteria provided, single submitter. Criteria: GeneDx Variant Classification (06012015). Collection method: clinical testing. Allele origin: germline. Affected: yes.
Comment: This variant is considered likely benign or benign based on one or more of the following criteria: it is a conservative change, it occurs at a poorly conserved position in the protein, it is predicted to be benign by multiple in silico algorithms, and/or has population frequency not consistent with disease.

Breakthrough Genomics
Classification: Benign. Review status: criteria provided, single submitter. Criteria: ACMG Guidelines, 2015. Collection method: not provided. Allele origin: germline. Inheritance: Autosomal recessive inheritance. Affected: yes.